The following continues an entry in ClinVar:

NM_000038.6(APC):c.317G>A (p.Arg106His)

Gene: APC. ClinVar aggregate classification (germline): Conflicting classifications of pathogenicity. Uncertain significance (8); Benign (1); Likely benign (3).

Submission 15 of 15:

Department of Pathology and Laboratory Medicine, Sinai Health System
Classification: Likely benign for Familial adenomatous polyposis 1. Review status: no assertion criteria provided. Collection method: clinical testing. Allele origin: unknown. Affected: yes. Observed: 1 variant allele. Study: The Canadian Open Genetics Repository (COGR). Not counted in ClinVar's aggregate classification.
Comment: The APC p.Arg106His variant was not identified in the literature, nor was it identified in NHLBI GO Exome Sequencing Project, GeneInsight COGR, COSMIC, MutDB, UMD, InSiGHT Colon Cancer Gene Variant Database (LOVD), or the Zhejiang Colon Cancer Database (LOVD). The variant was identified in dbSNP (ID: rs201764637) as â€šÃ„ÃºWith Uncertain significance alleleâ€šÃ„Ã¹, the Clinvitae database and ClinVar database (classification uncertain significance, submitters Counsyl and Biesecker Lab/Human Development Section NIH), the 1000 Genomes Project, the NHLBI Exome Sequencing Project, the 1000 Genomes Project in 1 of 5000 chromosomes (frequency: 0.002), HAPMAP-SAS in 1 of 978 chromosomes (frequency: 0.001), the genome Aggregation Database (Feb 27, 2017) in 13 of 277212 chromosomes (freq. 0.00005) and the Exome Aggregation Consortium database (August 8th 2016) in 5 of 121334 chromosomes (freq. 0.00004) in the following population: South Asian in 5 of 16512 chromosomes (freq. 0.0003), but was not seen in African, East Asian, European, Latino and Other populations increasing the likelihood that this may be a low frequency benign variant in certain populations of origin. The p.Arg106 residue is conserved in mammals and the variant amino acid His is present in the African clawed frog suggesting that this amino acid substitution may be tolerated. Computational analyses (PolyPhen-2, SIFT, AlignGVGD, BLOSUM, MutationTaster) do not suggest a high likelihood of impact to the protein; however, this information is not predictive enough to rule out pathogenicity. The variant occurs outside of the splicing consensus sequence and in silico or computational prediction software programs (SpliceSiteFinder, MaxEntScan, NNSPLICE, GeneSplicer, HumanSpliceFinder) do not predict a difference in splicing. In summary, based on the above information, the clinical significance of this variant cannot be determined with certainty at this time although we would lean towards a more benign role for this variant. This variant is classified as likely benign.

Literature cited by the submitters: PubMed 18199528 (cited by 7 submitters); PubMed 21859464 (cited by Quest Diagnostics Nichols Institute San Juan Capistrano and All of Us Research Program, National Institutes of Health); PubMed 29245953 (cited by Quest Diagnostics Nichols Institute San Juan Capistrano and Sema4).